The following is an entry in ClinVar:

NM_001160148.2(DDHD1):c.254G>A (p.Ser85Asn)

Gene: DDHD1 (DDHD domain containing 1; minus strand). Cytogenetic location: 14q22.1.
Variant type: single nucleotide variant.
Coding change: c.254G>A on transcript NM_001160148.2 (MANE Select); coding-DNA position 254, G replaced by A.
Protein change: p.Ser85Asn; replaces serine 85 with asparagine.
Molecular consequence: missense variant.
Genome position (GRCh38, 1-based): chr14:53,152,845, C>T on the plus strand (G>A on the coding strand, the complement: DDHD1 is on the minus strand). VCF-style: chr14-53152845-C-T. GRCh37 (hg19) VCF-style: chr14-53619563-C-T.
Other names: c.254G>A, p.Ser85Asn (NM_001160147.2, NM_030637.3); short protein forms S85N.
Identifiers: ClinVar variation 2176424 (VCV002176424.4), dbSNP rs772302393, ClinGen allele CA389781243.

ClinVar aggregate classification (germline): Uncertain significance (1 of 4 stars; one submission).

Conditions:
Hereditary spastic paraplegia 28. Also called: Spastic paraplegia 28, autosomal recessive. Identifiers: Orphanet 101008, MedGen C1836295, MONDO:0012256, OMIM 609340.

Allele frequency attached by ClinVar (database versions not stated): gnomAD 0.00001; TOPMed 0.00001.
gnomAD v4.1: 5 of 1,612,206 alleles (0.00031%); highest among the groups gnomAD compares: African/African-American, 0.0054%; no homozygotes.

Submission:

Labcorp Genetics (formerly Invitae), Labcorp
Classification: Uncertain significance for Hereditary spastic paraplegia 28. Last evaluated: 2021-12-30. Review status: criteria provided, single submitter. Criteria: Invitae Variant Classification Sherloc (09022015). Collection method: clinical testing. Allele origin: germline.
Comment: In summary, the available evidence is currently insufficient to determine the role of this variant in disease. Therefore, it has been classified as a Variant of Uncertain Significance. Algorithms developed to predict the effect of missense changes on protein structure and function are either unavailable or do not agree on the potential impact of this missense change (SIFT: "Tolerated"; PolyPhen-2: "Probably Damaging"; Align-GVGD: "Class C0"). This variant has not been reported in the literature in individuals affected with DDHD1-related conditions. This variant is present in population databases (no rsID available, gnomAD 0.02%). This sequence change replaces serine, which is neutral and polar, with asparagine, which is neutral and polar, at codon 85 of the DDHD1 protein (p.Ser85Asn).